The following is an entry in ClinVar:

NM_000051.4(ATM):c.5636A>G (p.Gln1879Arg)

Gene: ATM (ATM serine/threonine kinase; plus strand). Cytogenetic location: 11q22.3.
Variant type: single nucleotide variant.
Coding change: c.5636A>G on transcript NM_000051.4 (MANE Select); coding-DNA position 5636, A replaced by G.
Protein change: p.Gln1879Arg; replaces glutamine 1879 with arginine.
Molecular consequence: missense variant.
Genome position (GRCh38, 1-based): chr11:108,304,814, A>G. VCF-style: chr11-108304814-A-G. GRCh37 (hg19) VCF-style: chr11-108175541-A-G.
Other names: c.5636A>G, p.Gln1879Arg (NM_001351834.2); short protein forms Q1879R.
Identifiers: ClinVar variation 186612 (VCV000186612.16), dbSNP rs786203086, ClinGen allele CA195330.
Genomic context (GRCh38, chr11:108,304,814, plus strand): 5'-GAAATCTGCTTTCTACACATGTTCAGGGATTTTTCACCAGCTGTCTTCGACACTTCTCGC[A>G]AACGAGCCGATCCACAACCCCTGCAAACTTGGATTCAGGTATTCTATTAAATTTTTAACA-3'
Protein context (NP_000042.3, residues 1869-1889): FFTSCLRHFS[Gln1879Arg]TSRSTTPANL

ClinVar aggregate classification (germline): Uncertain significance. Review status: criteria provided, multiple submitters, no conflicts (2 of 4 stars). 3 submissions from 3 submitters: Uncertain significance (3). Last evaluated 2024-04-10.

Conditions:
Hereditary cancer-predisposing syndrome. Also called: Hereditary Cancer Syndrome; Neoplastic Syndromes, Hereditary; Tumor predisposition; Hereditary neoplastic syndrome. Identifiers: Orphanet 140162, MedGen C0027672, MeSH D009386, MONDO:0015356.
Ataxia-telangiectasia syndrome (AT). Also called: Ataxia-telangiectasia, complementation group D; AT, COMPLEMENTATION GROUP C; ATAXIA-TELANGIECTASIA, COMPLEMENTATION GROUP A; ATAXIA-TELANGIECTASIA, FRESNO VARIANT; Ataxia-telangiectasia; LOUIS-BAR SYNDROME. Identifiers: Orphanet 100, MedGen C0004135, MONDO:0008840, OMIM 208900.

Allele frequency attached by ClinVar (database versions not stated): gnomAD exomes below 0.00001.
gnomAD v4.1: 1 of 1,613,498 alleles (0.000062%); highest among the groups gnomAD compares: African/African-American, 0.0013%; no homozygotes.

Submissions (3):

Labcorp Genetics (formerly Invitae), Labcorp
Classification: Uncertain significance for Ataxia-telangiectasia syndrome. Last evaluated: 2024-04-10. Review status: criteria provided, single submitter. Criteria: Invitae Variant Classification Sherloc (09022015). Collection method: clinical testing. Allele origin: germline.
Comment: This sequence change replaces glutamine, which is neutral and polar, with arginine, which is basic and polar, at codon 1879 of the ATM protein (p.Gln1879Arg). This variant is not present in population databases (gnomAD no frequency). This variant has not been reported in the literature in individuals affected with ATM-related conditions. ClinVar contains an entry for this variant (Variation ID: 186612). An algorithm developed to predict the effect of missense changes on protein structure and function (PolyPhen-2) suggests that this variant is likely to be tolerated. In summary, the available evidence is currently insufficient to determine the role of this variant in disease. Therefore, it has been classified as a Variant of Uncertain Significance.

Ambry Genetics
Classification: Uncertain significance for Hereditary cancer-predisposing syndrome. Last evaluated: 2019-11-05. Review status: criteria provided, single submitter. Criteria: Ambry Variant Classification Scheme 2023. Collection method: clinical testing. Allele origin: germline.
Comment: The p.Q1879R variant (also known as c.5636A>G), located in coding exon 36 of the ATM gene, results from an A to G substitution at nucleotide position 5636. The glutamine at codon 1879 is replaced by arginine, an amino acid with highly similar properties. This amino acid position is well conserved in available vertebrate species. In addition, this alteration is predicted to be tolerated by in silico analysis. Since supporting evidence is limited at this time, the clinical significance of this alteration remains unclear.

GeneDx
Classification: Uncertain significance. Last evaluated: 2015-10-01. Review status: criteria provided, single submitter. Criteria: GeneDx Variant Classification (06012015). Collection method: clinical testing. Allele origin: germline. Affected: yes.
Comment: This variant is denoted ATM c.5636A>G at the cDNA level, p.Gln1879Arg (Q1879R) at the protein level, and results in the change of a Glutamine to an Arginine (CAA>CGA). This variant has not, to our knowledge, been published in the literature as being pathogenic or benign. ATM Gln1879Arg was not observed in approximately 6,500 individuals of European and African American ancestry in the NHLBI Exome Sequencing Project, indicating it is not a common benign variant in these populations. Since Glutamine and Arginine differ in some properties, this is considered a semi-conservative amino acid substitution. ATM Gln1879Arg occurs at a position that is not conserved and is not located in a known functional domain (Tavtigian 2009). In silico analyses predict that this variant is unlikely to alter protein structure or function. Based on currently available evidence, it is unclear whether ATM Gln1879Arg is pathogenic or benign.